The following is an entry in ClinVar:

ClinVar aggregate classification (germline): Uncertain significance. Review status: criteria provided, multiple submitters, no conflicts (2 of 4 stars). 2 submissions from 2 submitters: Uncertain significance (2). Last evaluated 2025-10-29.

Conditions:
Inborn genetic diseases. Identifiers: MedGen C0950123, MeSH D030342.

Allele frequency attached by ClinVar (database versions not stated): TOPMed 0.00006; ExAC 0.00007; ESP Exome Variant Server 0.00008; gnomAD 0.00009.
gnomAD v4.1: 106 of 1,611,936 alleles (0.0066%); highest among the groups gnomAD compares: East Asian, 0.06%; no homozygotes.

Submissions (2):

Ambry Genetics
Classification: Uncertain significance for Inborn genetic diseases. Last evaluated: 2025-10-29. Review status: criteria provided, single submitter. Criteria: Ambry Variant Classification Scheme 2023. Collection method: clinical testing. Allele origin: germline.

Labcorp Genetics (formerly Invitae), Labcorp
Classification: Uncertain significance. Last evaluated: 2023-08-17. Review status: criteria provided, single submitter. Criteria: Invitae Variant Classification Sherloc (09022015). Collection method: clinical testing. Allele origin: germline.
Comment: In summary, the available evidence is currently insufficient to determine the role of this variant in disease. Therefore, it has been classified as a Variant of Uncertain Significance. An algorithm developed to predict the effect of missense changes on protein structure and function (PolyPhen-2) suggests that this variant is likely to be tolerated. ClinVar contains an entry for this variant (Variation ID: 2193297). This variant has not been reported in the literature in individuals affected with IARS2-related conditions. This variant is present in population databases (rs201910429, gnomAD 0.08%). This sequence change replaces arginine, which is basic and polar, with histidine, which is basic and polar, at codon 860 of the IARS2 protein (p.Arg860His).

NM_018060.4(IARS2):c.2579G>A (p.Arg860His)

Gene: IARS2 (isoleucyl-tRNA synthetase 2, mitochondrial; plus strand). Cytogenetic location: 1q41.
Variant type: single nucleotide variant.
Coding change: c.2579G>A on transcript NM_018060.4 (MANE Select); coding-DNA position 2579, G replaced by A.
Protein change: p.Arg860His; replaces arginine 860 with histidine.
Molecular consequence: missense variant.
Genome position (GRCh38, 1-based): chr1:220,142,962, G>A. VCF-style: chr1-220142962-G-A. GRCh37 (hg19) VCF-style: chr1-220316304-G-A.
Other names: c.2579G>A (NM_018060.3); short protein forms R860H.
Identifiers: ClinVar variation 2193297 (VCV002193297.5), dbSNP rs201910429, ClinGen allele CA1401816.